The following is an entry in ClinVar:

ClinVar aggregate classification (germline): Benign. Review status: criteria provided, multiple submitters, no conflicts (2 of 4 stars). 2 submissions from 2 submitters: Benign (2). Last evaluated 2026-01-24.

Allele frequency attached by ClinVar (database versions not stated): gnomAD exomes 0.00045 and 0.00099; ExAC 0.00129; ESP Exome Variant Server 0.00345; 1000 Genomes Project 0.00459; gnomAD 0.00465 and 0.00495; 1000 Genomes Project 30x 0.00500; TOPMed 0.00515.
gnomAD v4.1: 1,385 of 1,614,024 alleles (0.086%); highest among the groups gnomAD compares: African/African-American, 1.7%; 14 homozygotes.

Submissions (2):

Labcorp Genetics (formerly Invitae), Labcorp
Classification: Benign. Last evaluated: 2026-01-24. Review status: criteria provided, single submitter. Criteria: Invitae Variant Classification Sherloc (09022015). Collection method: clinical testing. Allele origin: germline.

CeGaT Center for Human Genetics Tuebingen
Classification: Benign. Last evaluated: 2024-06-01. Review status: criteria provided, single submitter. Criteria: CeGaT Center For Human Genetics Tuebingen Variant Classification Criteria Version 2. Collection method: clinical testing. Allele origin: germline. Affected: yes. Observed: 2 variant alleles.
Comment: KIDINS220: BP4, BS1, BS2

NM_020738.4(KIDINS220):c.3896C>G (p.Ala1299Gly)

Gene: KIDINS220 (kinase D interacting substrate 220; minus strand). Cytogenetic location: 2p25.1.
Variant type: single nucleotide variant.
Coding change: c.3896C>G on transcript NM_020738.4 (MANE Select); coding-DNA position 3896, C replaced by G.
Protein change: p.Ala1299Gly; replaces alanine 1299 with glycine.
Molecular consequence: missense variant. On other transcripts: non-coding transcript variant (2).
Genome position (GRCh38, 1-based): chr2:8,733,601, G>C on the plus strand (C>G on the coding strand, the complement: KIDINS220 is on the minus strand). VCF-style: chr2-8733601-G-C. GRCh37 (hg19) VCF-style: chr2-8873731-G-C.
Other names: c.3899C>G, p.Ala1300Gly (NM_001348729.2); c.3842C>G, p.Ala1281Gly (NM_001348731.2); c.3839C>G, p.Ala1280Gly (NM_001348732.2, NM_001348738.2); c.3728C>G, p.Ala1243Gly (NM_001348734.2, NM_001348739.2, NM_001348740.2); c.3725C>G, p.Ala1242Gly (NM_001348735.2, NM_001348741.2, NM_001348742.2 and 1 more transcripts); c.3599C>G, p.Ala1200Gly (NM_001348736.2); short protein forms A1200G, A1242G, A1243G, A1280G, A1281G, A1299G, A1300G.
Identifiers: ClinVar variation 1164475 (VCV001164475.29), dbSNP rs76164009, ClinGen allele CA1519487.